The following is an entry in ClinVar:

NM_000135.4(FANCA):c.3652C>G (p.Pro1218Ala)

Gene: FANCA (FA complementation group A; minus strand). Cytogenetic location: 16q24.3.
Variant type: single nucleotide variant.
Coding change: c.3652C>G on transcript NM_000135.4 (MANE Select); coding-DNA position 3652, C replaced by G.
Protein change: p.Pro1218Ala; replaces proline 1218 with alanine.
Molecular consequence: missense variant.
Genome position (GRCh38, 1-based): chr16:89,742,913, G>C on the plus strand (C>G on the coding strand, the complement: FANCA is on the minus strand). VCF-style: chr16-89742913-G-C. GRCh37 (hg19) VCF-style: chr16-89809321-G-C.
Other names: c.3652C>G, p.Pro1218Ala (NM_001286167.3); short protein forms P1218A.
Identifiers: ClinVar variation 4254297 (VCV004254297.1).
Genomic context (GRCh38, chr16:89,742,913, plus strand): 5'-TGACTTGTTGAATCGCAAAGTGCAGTGCAGCAGCTGAGAGCCAGTCCGGGTTGGGTGCTG[G>C]GGAGGCAGCCTCAGGGGAGAGGAAACTGGGACAGAGAGAACGGGGTCATTGCAGGGCCTT-3'
Protein context (NP_000126.2, residues 1208-1228): SDFLSPEAAS[Pro1218Ala]APNPDWLSAA

ClinVar aggregate classification (germline): Uncertain significance (1 of 4 stars; one submission).

Conditions:
Inborn genetic diseases. Identifiers: MedGen C0950123, MeSH D030342.

Submission:

Ambry Genetics
Classification: Uncertain significance for Inborn genetic diseases. Last evaluated: 2025-08-19. Review status: criteria provided, single submitter. Criteria: Ambry Variant Classification Scheme 2023. Collection method: clinical testing. Allele origin: germline.
Comment: The p.P1218A variant (also known as c.3652C>G), located in coding exon 37 of the FANCA gene, results from a C to G substitution at nucleotide position 3652. The proline at codon 1218 is replaced by alanine, an amino acid with highly similar properties. This amino acid position is conserved. In addition, this alteration is predicted to be tolerated by in silico analysis. Based on the available evidence, the clinical significance of this variant remains unclear.